The following is an entry in ClinVar:

NM_144596.4(TTC8):c.624+2825T>G

Gene: TTC8 (tetratricopeptide repeat domain 8; plus strand). Cytogenetic location: 14q31.3.
Variant type: single nucleotide variant.
Coding change: c.624+2825T>G on transcript NM_144596.4 (MANE Select); 2825 bases into the intron after coding-DNA position 624, T replaced by G.
Molecular consequence: intron variant. On other transcripts: missense variant (1).
Genome position (GRCh38, 1-based): chr14:88,846,675, T>G. VCF-style: chr14-88846675-T-G. GRCh37 (hg19) VCF-style: chr14-89313019-T-G.
Other names: c.672T>G, p.Asn224Lys (NM_001288781.1); c.30+5118T>G (NM_001288782.1); c.594+2825T>G (NM_198309.3, NM_001366535.2); c.-153-173T>G (NM_001288783.1); c.504+2825T>G (NM_198310.3, NM_001366536.2); short protein forms N224K.
Identifiers: ClinVar variation 866497 (VCV000866497.3), dbSNP rs569105375, ClinGen allele CA264562908.

ClinVar aggregate classification (germline): Uncertain significance. Review status: criteria provided, multiple submitters, no conflicts (2 of 4 stars). 2 submissions from 2 submitters: Uncertain significance (2). Last evaluated 2026-08-27.

Conditions:
TTC8-related disorder. Also called: TTC8-related condition.

Allele frequency attached by ClinVar (database versions not stated): gnomAD 0.00001; 1000 Genomes Project 0.00020; 1000 Genomes Project 30x 0.00031.
gnomAD v4.1: 2 of 1,432,610 alleles (0.00014%); highest among the groups gnomAD compares: African/African-American, 0.0014%; no homozygotes.

Submissions (2):

PreventionGenetics, part of Exact Sciences
Classification: Uncertain significance for TTC8-related condition. Last evaluated: 2026-08-27. Review status: criteria provided, single submitter. Criteria: ACMG Guidelines, 2015. Collection method: clinical testing. Allele origin: germline.
Comment: The TTC8 c.672T>G variant is predicted to result in the amino acid substitution p.Asn224Lys. To our knowledge, this variant has not been reported in the literature or in a large population database (gnomAD), indicating this variant is rare. At this time, the clinical significance of this variant is uncertain due to the absence of conclusive functional and genetic evidence.

Blueprint Genetics
Classification: Uncertain significance. Last evaluated: 2018-03-14. Review status: criteria provided, single submitter. Criteria: ACMG Guidelines, 2015. Collection method: clinical testing. Allele origin: germline.